The following is an entry in ClinVar:

NM_000466.3(PEX1):c.895_896dup (p.Asn299fs)

Gene: PEX1 (peroxisomal biogenesis factor 1; minus strand). Cytogenetic location: 7q21.2.
Variant type: Duplication.
Coding change: c.895_896dup on transcript NM_000466.3 (MANE Select); coding-DNA positions 895 to 896, 2 bases duplicated (AA; older notation c.895_896dupAA).
Protein change: p.Asn299fs; shifts the reading frame from asparagine 299.
Molecular consequence: frameshift variant.
Genome position (GRCh38, 1-based): chr7:92,517,619-92,517,620, TT duplicated on the plus strand (AA on the coding strand, the reverse complement: PEX1 is on the minus strand). VCF-style (leftmost placement, unchanged base first): chr7-92517618-G-GTT. GRCh37 (hg19) VCF-style: chr7-92146932-G-GTT.
Other names: c.895_896dup, p.Asn299fs (NM_001282677.2); c.271_272dup, p.Asn91fs (NM_001282678.2); short protein forms N299fs, N91fs.
Identifiers: ClinVar variation 4818416 (VCV004818416.2).
Genomic context (GRCh38, chr7:92,517,618, plus strand): 5'-CTGGTCCCATGGAAATACATGAATGGCACAGTGTTTATGAAAAACAGAGGTTGCTGACGC[G>GTT]TTATATATACTAGGAGGTTGAGATTTGCATACTCTGAAAATATTGTCTAGAGGAACAACC-3'

ClinVar aggregate classification (germline): Pathogenic/Likely pathogenic. Review status: criteria provided, multiple submitters, no conflicts (2 of 4 stars). 2 submissions from 2 submitters: Pathogenic (1); Likely pathogenic (1). Last evaluated 2025-08-14.

Conditions:
Peroxisome biogenesis disorder. Identifiers: Orphanet 79189, MedGen C1832200, MONDO:0019234. Disease mechanism: loss of function.
Zellweger spectrum disorders (ZS). Also called: Zellweger Spectrum Disorder; Zellweger Spectrum; Zellweger syndrome; Zellweger Spectrum Disorder (ZSD). Identifiers: Orphanet 912, MedGen C0043459, MONDO:0019609.

Submissions (2):

Natera, Inc.
Classification: Likely pathogenic for Zellweger syndrome. Last evaluated: 2025-08-14. Review status: criteria provided, single submitter. Criteria: Natera Variant Classification Schema (03/2026). Collection method: clinical testing. Allele origin: germline.
Comment: The c.895_896dupAA variant in PEX1 is a frameshift variant predicted to shift the reading frame beginning at codon 299 and leads to a stop codon 27 codons downstream. This variant is expected to result in nonsense mediated decay, truncation, or a dysfunctional protein product. This variant is rare in the general population with a frequency below the threshold expected for the associated phenotype(s). Given the available evidence, this variant is classified as Likely Pathogenic.

Myriad Genetics, Inc.
Classification: Pathogenic for Peroxisome biogenesis disorder. Last evaluated: 2023-11-14. Review status: criteria provided, single submitter. Criteria: Myriad Autosomal Dominant, Autosomal Recessive and X-Linked Classification Criteria (2023). Collection method: clinical testing. Allele origin: unknown.
Comment: NM_000466.2(PEX1):c.895_896dupAA(N299Kfs*27) is expected to be pathogenic in the context of peroxisome biogenesis disorder type 1. This variant is predicted to lead to an abnormal or absent protein product due to the creation of a premature termination codon in PEX1, a gene where loss-of-function variants are known to be pathogenic. Please note: this variant was assessed in the context of healthy population screening.